The following is an entry in ClinVar:

ClinVar aggregate classification (germline): Likely benign. Review status: criteria provided, multiple submitters, no conflicts (2 of 4 stars). 2 submissions from 2 submitters: Likely benign (2). Last evaluated 2026-02-02.

Conditions:
DTNBP1-related disorder. Also called: DTNBP1-related condition.

gnomAD v4.1: 22 of 1,613,818 alleles (0.0014%); highest among the groups gnomAD compares: South Asian, 0.022%; no homozygotes.

Submissions (2):

Labcorp Genetics (formerly Invitae), Labcorp
Classification: Likely benign. Last evaluated: 2026-02-02. Review status: criteria provided, single submitter. Criteria: Invitae Variant Classification Sherloc (09022015). Collection method: clinical testing. Allele origin: germline.

PreventionGenetics, part of Exact Sciences
Classification: Likely benign for DTNBP1-related condition. Last evaluated: 2025-09-24. Review status: criteria provided, single submitter. Criteria: ACMG Guidelines, 2015. Collection method: clinical testing. Allele origin: germline.
Comment: This variant is classified as likely benign based on ACMG/AMP sequence variant interpretation guidelines (Richards et al. 2015 PMID: 25741868, with internal and published modifications).

NM_032122.5(DTNBP1):c.264G>A (p.Glu88=)

Gene: DTNBP1 (dystrobrevin binding protein 1; minus strand). Cytogenetic location: 6p22.3.
Variant type: single nucleotide variant.
Coding change: c.264G>A on transcript NM_032122.5 (MANE Select); coding-DNA position 264, G replaced by A.
Protein change: p.Glu88=; no amino-acid change (glutamic acid 88 retained).
Molecular consequence: synonymous variant. On other transcripts: non-coding transcript variant (1).
Genome position (GRCh38, 1-based): chr6:15,627,434, C>T on the plus strand (G>A on the coding strand, the complement: DTNBP1 is on the minus strand). VCF-style: chr6-15627434-C-T. GRCh37 (hg19) VCF-style: chr6-15627665-C-T.
Other names: c.21G>A, p.Glu7= (NM_001271667.2); c.213G>A, p.Glu71= (NM_001271668.2); c.159G>A, p.Glu53= (NM_001271669.2); c.264G>A, p.Glu88= (NM_183040.2).
Identifiers: ClinVar variation 4777111 (VCV004777111.2).